The following is an entry in ClinVar:

ClinVar aggregate classification (germline): Likely pathogenic (1 of 4 stars; one submission).

Submission:

GeneDx
Classification: Likely pathogenic. Last evaluated: 2022-07-29. Review status: criteria provided, single submitter. Criteria: GeneDx Variant Classification Process June 2021. Collection method: clinical testing. Allele origin: germline. Affected: yes.
Comment: Not observed at significant frequency in large population cohorts (gnomAD); In silico analysis supports that this missense variant has a deleterious effect on protein structure/function; This variant is associated with the following publications: (PMID: 34175765, 35778331, 26912782, 20228266, 20729109, 10089913)

NM_000397.4(CYBB):c.1061A>G (p.His354Arg)

Gene: CYBB (cytochrome b-245 beta chain; plus strand). Cytogenetic location: Xp11.4.
Variant type: single nucleotide variant.
Coding change: c.1061A>G on transcript NM_000397.4 (MANE Select); coding-DNA position 1061, A replaced by G.
Protein change: p.His354Arg; replaces histidine 354 with arginine.
Molecular consequence: missense variant.
Genome position (GRCh38, 1-based): chrX:37,804,040, A>G. VCF-style: chrX-37804040-A-G. GRCh37 (hg19) VCF-style: chrX-37663293-A-G.
Other names: short protein forms H354R.
Identifiers: ClinVar variation 2412833 (VCV002412833.2), dbSNP rs2519208752, ClinGen allele CA412977383.